The following is an entry in ClinVar:

NM_014714.4(IFT140):c.4264G>A (p.Ala1422Thr)

Gene: IFT140 (intraflagellar transport 140; minus strand). Cytogenetic location: 16p13.3.
Variant type: single nucleotide variant.
Coding change: c.4264G>A on transcript NM_014714.4 (MANE Select); coding-DNA position 4264, G replaced by A.
Protein change: p.Ala1422Thr; replaces alanine 1422 with threonine.
Molecular consequence: missense variant.
Genome position (GRCh38, 1-based): chr16:1,511,069, C>T on the plus strand (G>A on the coding strand, the complement: IFT140 is on the minus strand). VCF-style: chr16-1511069-C-T. GRCh37 (hg19) VCF-style: chr16-1561070-C-T.
Other names: short protein forms A1422T.
Identifiers: ClinVar variation 387707 (VCV000387707.18), dbSNP rs144726977, ClinGen allele CA7812808.

ClinVar aggregate classification (germline): Conflicting classifications of pathogenicity. Review status: criteria provided, conflicting classifications (1 of 4 stars). 5 submissions from 5 submitters: Uncertain significance (2); Likely benign (2). 1 of the submissions does not count toward it. Last evaluated 2026-01-06.

Conditions:
IFT140-related disorder. Also called: IFT140-related condition.
Saldino-Mainzer syndrome (SRTD9). Also called: short-rib thoracic dysplasia 9 with or without polydactyly; SHORT-RIB THORACIC DYSPLASIA 9 WITHOUT POLYDACTYLY; Renal dysplasia, retinal pigmentary dystrophy, cerebellar ataxia and skeletal dysplasia; CONORENAL SYNDROME. Identifiers: Orphanet 140969, MedGen C1849437, MONDO:0009964, OMIM 266920.
Inborn genetic diseases. Identifiers: MedGen C0950123, MeSH D030342.

Allele frequency attached by ClinVar (database versions not stated): gnomAD exomes 0.00009 and 0.00023; ExAC 0.00031; 1000 Genomes Project 0.00040; 1000 Genomes Project 30x 0.00047; gnomAD 0.00095 and 0.00104; ESP Exome Variant Server 0.00108; TOPMed 0.00114.
gnomAD v4.1: 284 of 1,608,368 alleles (0.018%); highest among the groups gnomAD compares: African/African-American, 0.33%; no homozygotes.

Submissions (5):

Labcorp Genetics (formerly Invitae), Labcorp
Classification: Likely benign for Saldino-Mainzer syndrome. Last evaluated: 2026-01-06. Review status: criteria provided, single submitter. Criteria: Invitae Variant Classification Sherloc (09022015). Collection method: clinical testing. Allele origin: germline.

Blueprint Genetics
Classification: Likely benign. Last evaluated: 2024-06-27. Review status: criteria provided, single submitter. Criteria: ACMG Guidelines, 2015. Collection method: clinical testing. Allele origin: germline.

GeneDx
Classification: Uncertain significance. Last evaluated: 2024-05-21. Review status: criteria provided, single submitter. Criteria: GeneDx Variant Classification Process June 2021. Collection method: clinical testing. Allele origin: germline. Affected: yes.
Comment: In silico analysis indicates that this missense variant does not alter protein structure/function; Has not been previously published as pathogenic or benign to our knowledge

Ambry Genetics
Classification: Uncertain significance for Inborn genetic diseases. Last evaluated: 2021-10-12. Review status: criteria provided, single submitter. Criteria: Ambry Variant Classification Scheme 2023. Collection method: clinical testing. Allele origin: germline.

PreventionGenetics, part of Exact Sciences
Classification: Likely benign for IFT140-related condition. Last evaluated: 2022-02-15. Review status: no assertion criteria provided. Collection method: clinical testing. Allele origin: germline. Not counted in ClinVar's aggregate classification.
Comment: This variant is classified as likely benign based on ACMG/AMP sequence variant interpretation guidelines (Richards et al. 2015 PMID: 25741868, with internal and published modifications).